The following is an entry in ClinVar:

ClinVar aggregate classification (germline): Likely pathogenic (1 of 4 stars; one submission).

Conditions:
Primary ciliary dyskinesia 16. Also called: CILIARY DYSKINESIA, PRIMARY, 16, WITH OR WITHOUT SITUS INVERSUS. Identifiers: Orphanet 244, MedGen C3151460, MONDO:0013525, OMIM 614017.

Submission:

Dasa
Classification: Likely pathogenic for Primary ciliary dyskinesia 16. Last evaluated: 2025-10-26. Review status: criteria provided, single submitter. Criteria: DASA Assertion Criteria. Collection method: clinical testing. Allele origin: germline.
Comment: NM_031427.4(DNAL1):c.264+1G>T affects a canonical splice site and is predicted to disrupt normal RNA splicing. Loss of function is an established disease mechanism for DNAL1-associated disorders. Also, this variant is rare in population databases. Based on the currently available evidence, this variant is classified as likely pathogenic.

NM_031427.4(DNAL1):c.264+1G>T

Gene: DNAL1 (dynein axonemal light chain 1; plus strand). Cytogenetic location: 14q24.3.
Variant type: single nucleotide variant.
Coding change: c.264+1G>T on transcript NM_031427.4 (MANE Select); the canonical splice donor site of the intron after coding-DNA position 264, G replaced by T.
Molecular consequence: splice donor variant.
Genome position (GRCh38, 1-based): chr14:73,671,598, G>T. VCF-style: chr14-73671598-G-T. GRCh37 (hg19) VCF-style: chr14-74138301-G-T.
Other names: c.147+1G>T (NM_001201366.2).
Identifiers: ClinVar variation 4883573 (VCV004883573.2).